The following is an entry in ClinVar:

NC_000003.11:g.(?_155570992)_(155571786_?)dup

Gene: SLC33A1 (solute carrier family 33 member 1; minus strand). Cytogenetic location: 3q25.31.
Variant type: Duplication.
Identifiers: ClinVar variation 2425211 (VCV002425211.4).

ClinVar aggregate classification (germline): Uncertain significance (1 of 4 stars; one submission).

Conditions:
Spastic paraplegia. Identifiers: MedGen C0037772, HP:0001258.

Submission:

Labcorp Genetics (formerly Invitae), Labcorp
Classification: Uncertain significance for Spastic paraplegia. Last evaluated: 2022-07-13. Review status: criteria provided, single submitter. Criteria: Invitae Variant Classification Sherloc (09022015). Collection method: clinical testing. Allele origin: germline.
Comment: In summary, the available evidence is currently insufficient to determine the role of this variant in disease. Therefore, it has been classified as a Variant of Uncertain Significance. This variant has not been reported in the literature in individuals affected with SLC33A1-related conditions. This variant results in a copy number gain of the genomic region encompassing exon(s) 1 of the SLC33A1 gene. This region includes the initiator codon of the gene. This copy number gain extends beyond the assayed region for this gene and therefore may encompass additional genes. As the precise location of this event is unknown, it may be in tandem or it may be located elsewhere in the genome.